The following is an entry in ClinVar:

ClinVar aggregate classification (germline): Uncertain significance (1 of 4 stars; one submission).

Conditions:
Neurofibromatosis, type 2 (SWNV). Also called: SCHWANNOMATOSIS, VESTIBULAR; BILATERAL ACOUSTIC NEUROFIBROMATOSIS; NF2-Related Schwannomatosis. Identifiers: Orphanet 637, MedGen C0027832, MONDO:0007039, OMIM 101000. Disease mechanism: loss of function.

Submission:

Labcorp Genetics (formerly Invitae), Labcorp
Classification: Uncertain significance for Neurofibromatosis, type 2. Last evaluated: 2022-11-11. Review status: criteria provided, single submitter. Criteria: Invitae Variant Classification Sherloc (09022015). Collection method: clinical testing. Allele origin: germline.
Comment: This sequence change replaces glutamic acid, which is acidic and polar, with glycine, which is neutral and non-polar, at codon 408 of the NF2 protein (p.Glu408Gly). This variant is not present in population databases (gnomAD no frequency). This variant has not been reported in the literature in individuals affected with NF2-related conditions. Advanced modeling of protein sequence and biophysical properties (such as structural, functional, and spatial information, amino acid conservation, physicochemical variation, residue mobility, and thermodynamic stability) performed at Invitae indicates that this missense variant is expected to disrupt NF2 protein function. In summary, the available evidence is currently insufficient to determine the role of this variant in disease. Therefore, it has been classified as a Variant of Uncertain Significance.

NM_000268.4(NF2):c.1223A>G (p.Glu408Gly)

Gene: NF2 (NF2, moesin-ezrin-radixin like (MERLIN) tumor suppressor; plus strand). Cytogenetic location: 22q12.2.
Variant type: single nucleotide variant.
Coding change: c.1223A>G on transcript NM_000268.4 (MANE Select); coding-DNA position 1223, A replaced by G.
Protein change: p.Glu408Gly; replaces glutamic acid 408 with glycine.
Molecular consequence: missense variant. On other transcripts: intron variant (1).
Genome position (GRCh38, 1-based): chr22:29,673,369, A>G. VCF-style: chr22-29673369-A-G. GRCh37 (hg19) VCF-style: chr22-30069358-A-G.
Other names: c.448-21383A>G (NM_181833.3); c.1109A>G, p.Glu370Gly (NM_001407053.1, NM_001407056.1); c.1100A>G, p.Glu367Gly (NM_001407054.1, NM_001407058.1, NM_181829.3); c.1097A>G, p.Glu366Gly (NM_001407055.1, NM_181828.3); c.1088A>G, p.Glu363Gly (NM_001407057.1, NM_001407059.1); c.1223A>G, p.Glu408Gly (NM_001407060.1, NM_001407066.1, NM_016418.5 and 2 more transcripts); c.965A>G, p.Glu322Gly (NM_001407062.1); c.974A>G, p.Glu325Gly (NM_001407063.1, NM_001407064.1, NM_181830.3 and 1 more transcripts); and 2 more; short protein forms E322G, E370G, E230G, E363G, E366G, E367G, E408G, E325G.
Identifiers: ClinVar variation 2725374 (VCV002725374.3), dbSNP rs2518680480, ClinGen allele CA411148220.